The following is an entry in ClinVar:

ClinVar aggregate classification (germline): Uncertain significance (1 of 4 stars; one submission).

Allele frequency attached by ClinVar (database versions not stated): TOPMed below 0.00001; gnomAD exomes 0.00003 and 0.00006; gnomAD 0.00004; ExAC 0.00009; 1000 Genomes Project 30x 0.00047; 1000 Genomes Project 0.00060.
gnomAD v4.1: 61 of 1,614,118 alleles (0.0038%); highest among the groups gnomAD compares: South Asian, 0.058%; no homozygotes.

Submission:

Labcorp Genetics (formerly Invitae), Labcorp
Classification: Uncertain significance. Last evaluated: 2024-08-30. Review status: criteria provided, single submitter. Criteria: Invitae Variant Classification Sherloc (09022015). Collection method: clinical testing. Allele origin: germline.
Comment: This sequence change replaces leucine, which is neutral and non-polar, with phenylalanine, which is neutral and non-polar, at codon 1490 of the SZT2 protein (p.Leu1490Phe). This variant is present in population databases (rs541972325, gnomAD 0.05%). This variant has not been reported in the literature in individuals affected with SZT2-related conditions. ClinVar contains an entry for this variant (Variation ID: 1404565). Invitae Evidence Modeling of protein sequence and biophysical properties (such as structural, functional, and spatial information, amino acid conservation, physicochemical variation, residue mobility, and thermodynamic stability) indicates that this missense variant is not expected to disrupt SZT2 protein function with a negative predictive value of 80%. In summary, the available evidence is currently insufficient to determine the role of this variant in disease. Therefore, it has been classified as a Variant of Uncertain Significance.

NM_001365999.1(SZT2):c.4641G>T (p.Leu1547Phe)

Gene: SZT2 (SZT2 subunit of KICSTOR complex; plus strand). Cytogenetic location: 1p34.2.
Variant type: single nucleotide variant.
Coding change: c.4641G>T on transcript NM_001365999.1 (MANE Select); coding-DNA position 4641, G replaced by T.
Protein change: p.Leu1547Phe; replaces leucine 1547 with phenylalanine.
Molecular consequence: missense variant.
Genome position (GRCh38, 1-based): chr1:43,430,656, G>T. VCF-style: chr1-43430656-G-T. GRCh37 (hg19) VCF-style: chr1-43896327-G-T.
Other names: c.4470G>T, p.Leu1490Phe (NM_015284.4); short protein forms L1547F, L1490F.
Identifiers: ClinVar variation 1404565 (VCV001404565.4), dbSNP rs541972325, ClinGen allele CA809338.